The following is an entry in ClinVar:

ClinVar aggregate classification (germline): Uncertain significance (1 of 4 stars; one submission).

Allele frequency attached by ClinVar (database versions not stated): gnomAD exomes below 0.00001.
gnomAD v4.1: 1 of 1,592,646 alleles (0.000063%); highest among the groups gnomAD compares: South Asian, 0.0012%; no homozygotes.

Submission:

Clinical Genomics Laboratory, Washington University in St. Louis
Classification: Uncertain significance. Last evaluated: 2024-04-25. Review status: criteria provided, single submitter. Criteria: ACMG Guidelines, 2015. Collection method: clinical testing. Allele origin: germline.
Comment: The IMMT c.127A>G (p.Thr43Ala) variant, to our knowledge, has not been reported in the medical literature. This variant is only observed on 1/225,708 alleles in the general population (gnomAD v.2.1.1), indicating it is not a common variant. Computational predictors suggest that the variant does not impact IMMT function. Due to limited information, the clinical significance of this variant is uncertain.

NM_006839.3(IMMT):c.127A>G (p.Thr43Ala)

Gene: IMMT (inner membrane mitochondrial protein; minus strand). Cytogenetic location: 2p11.2.
Variant type: single nucleotide variant.
Coding change: c.127A>G on transcript NM_006839.3 (MANE Select); coding-DNA position 127, A replaced by G.
Protein change: p.Thr43Ala; replaces threonine 43 with alanine.
Molecular consequence: missense variant. On other transcripts: 5 prime UTR variant (16), non-coding transcript variant (10).
Genome position (GRCh38, 1-based): chr2:86,179,615, T>C on the plus strand (A>G on the coding strand, the complement: IMMT is on the minus strand). VCF-style: chr2-86179615-T-C. GRCh37 (hg19) VCF-style: chr2-86406738-T-C.
Other names: c.127A>G, p.Thr43Ala (NM_001100169.2, NM_001100170.2, NM_001400086.1 and 32 more transcripts); c.-135A>G (NM_001400114.1, NM_001400115.1, NM_001400117.1 and 3 more transcripts); c.-744A>G (NM_001400123.1, NM_001400128.1); c.-780A>G (NM_001400124.1); c.-777A>G (NM_001400125.1); c.-774A>G (NM_001400126.1); c.-747A>G (NM_001400127.1); c.-687A>G (NM_001400129.1); and 3 more; short protein forms T43A.
Identifiers: ClinVar variation 3236603 (VCV003236603.1), dbSNP rs1219011247, ClinGen allele CA347536874.
Genomic context (GRCh38, chr2:86,179,615, plus strand): 5'-GGATAGTGCCACCAATACCTCCACCAACAAACAAAAGGCCAGCTCCAGCAATTTTGCCAG[T>C]AGTCAACCTAAGTGAAAGAAACAGGAAATACATTTATATTTCTTGGCTCTCCTACACCTA-3'
Protein context (NP_006830.2, residues 33-53): YSTSGSSGLT[Thr43Ala]GKIAGAGLLF